The following is an entry in ClinVar:

ClinVar aggregate classification (germline): Likely benign. Review status: criteria provided, multiple submitters, no conflicts (2 of 4 stars). 6 submissions from 6 submitters: Likely benign (5). 1 of the submissions does not count toward it. Last evaluated 2026-01-26.

Conditions:
RYR1-related disorder. Also called: RYR1-related disorders; RYR1-related condition. Identifiers: MedGen CN239331.
Malignant hyperthermia, susceptibility to, 1 (MHS1). Also called: RYR1-Related Malignant Hyperthermia Susceptibility; Malignant hyperthermia suceptibility 1; Anesthesia related hyperthermia; Malignant hyperpyrexia; Fulminating hyperpyrexia; Pharmacogenic myopathy. Identifiers: Orphanet 423, MedGen C2930980, MONDO:0007783, OMIM 145600.

Allele frequency attached by ClinVar (database versions not stated): ExAC 0.00003; gnomAD exomes 0.00005 and 0.00018; TOPMed 0.00006; gnomAD 0.00009.
gnomAD v4.1: 264 of 1,613,894 alleles (0.016%); highest among the groups gnomAD compares: Non-Finnish European, 0.022%; no homozygotes.

Submissions (6):

Labcorp Genetics (formerly Invitae), Labcorp
Classification: Likely benign for RYR1-related disorder. Last evaluated: 2026-01-26. Review status: criteria provided, single submitter. Criteria: Invitae Variant Classification Sherloc (09022015). Collection method: clinical testing. Allele origin: germline.

Women's Health and Genetics/Laboratory Corporation of America, LabCorp
Classification: Likely benign. Last evaluated: 2024-04-05. Review status: criteria provided, single submitter. Criteria: LabCorp Variant Classification Summary - May 2015. Collection method: clinical testing. Allele origin: germline.

Blueprint Genetics
Classification: Likely benign. Last evaluated: 2024-02-26. Review status: criteria provided, single submitter. Criteria: ACMG Guidelines, 2015. Collection method: clinical testing. Allele origin: germline.

Color Diagnostics, LLC DBA Color Health
Classification: Likely benign for Malignant hyperthermia, susceptibility to, 1. Last evaluated: 2022-11-06. Review status: criteria provided, single submitter. Criteria: ACMG Guidelines, 2015. Collection method: clinical testing. Allele origin: germline.

CeGaT Center for Human Genetics Tuebingen
Classification: Likely benign. Last evaluated: 2022-04-01. Review status: criteria provided, single submitter. Criteria: CeGaT Center For Human Genetics Tuebingen Variant Classification Criteria Version 2. Collection method: clinical testing. Allele origin: germline. Affected: yes. Observed: 2 variant alleles.
Comment: RYR1: BP4, BP7

PreventionGenetics, part of Exact Sciences
Classification: Likely benign for RYR1-related condition. Last evaluated: 2024-06-17. Review status: no assertion criteria provided. Collection method: clinical testing. Allele origin: germline. Not counted in ClinVar's aggregate classification.
Comment: This variant is classified as likely benign based on ACMG/AMP sequence variant interpretation guidelines (Richards et al. 2015 PMID: 25741868, with internal and published modifications).

NM_000540.3(RYR1):c.15084T>C (p.Cys5028=)

Gene: RYR1 (ryanodine receptor 1; plus strand). Cytogenetic location: 19q13.2.
Variant type: single nucleotide variant.
Coding change: c.15084T>C on transcript NM_000540.3 (MANE Select); coding-DNA position 15084, T replaced by C.
Protein change: p.Cys5028=; no amino-acid change (cysteine 5028 retained).
Molecular consequence: synonymous variant.
Genome position (GRCh38, 1-based): chr19:38,587,387, T>C. VCF-style: chr19-38587387-T-C. GRCh37 (hg19) VCF-style: chr19-39078027-T-C.
Other names: c.15084T>C (NM_000540.2); c.15069T>C, p.Cys5023= (NM_001042723.2).
Identifiers: ClinVar variation 623949 (VCV000623949.52), dbSNP rs758735802, ClinGen allele CA062048.